The following is an entry in ClinVar:

NM_001110556.2(FLNA):c.194C>T (p.Ala65Val)

Gene: FLNA (filamin A; minus strand). Cytogenetic location: Xq28.
Variant type: single nucleotide variant.
Coding change: c.194C>T on transcript NM_001110556.2 (MANE Select); coding-DNA position 194, C replaced by T.
Protein change: p.Ala65Val; replaces alanine 65 with valine.
Molecular consequence: missense variant.
Genome position (GRCh38, 1-based): chrX:154,371,052, G>A on the plus strand (C>T on the coding strand, the complement: FLNA is on the minus strand). VCF-style: chrX-154371052-G-A. GRCh37 (hg19) VCF-style: chrX-153599420-G-A.
Other names: c.194C>T, p.Ala65Val (NM_001456.4); short protein forms A65V.
Identifiers: ClinVar variation 2053131 (VCV002053131.4), dbSNP rs2067802428, ClinGen allele CA415255060.
Genomic context (GRCh38, chrX:154,371,052, plus strand): 5'-CTGAGCACCTCCAACAGCGCGATAAGCCGCAGCCCGTCGCTCAGGTCCGTCTGCAGGTTG[G>A]CGATGCGCTTGCTCACGCACTTCAGGTGCTCGTTGCACCAGCGCGTGAAAGTGTTCTGCT-3'
Protein context (NP_001104026.1, residues 55-75): EHLKCVSKRI[Ala65Val]NLQTDLSDGL

ClinVar aggregate classification (germline): Uncertain significance (1 of 4 stars; one submission).

Conditions:
Oto-palato-digital syndrome, type II (OPD2). Also called: FACIOPALATOOSSEOUS SYNDROME; OPD II SYNDROME; Otopalatodigital Syndrome, Type II; Otopalatodigital Syndrome Type 2 (FLNA-OPD2). Identifiers: Orphanet 669, Orphanet 90652, MedGen C1844696, MONDO:0010571, OMIM 304120.
Frontometaphyseal dysplasia (FMD1). Identifiers: Orphanet 1826, MedGen C0265293, MONDO:0015942.
Melnick-Needles syndrome (MNS). Also called: MELNICK-NEEDLES OSTEODYSPLASTY; OSTEODYSPLASTY OF MELNICK AND NEEDLES; Melnick-Needles Syndrome (FLNA-MNS). Identifiers: Orphanet 2484, MedGen C0025237, MONDO:0010650, OMIM 309350.
Heterotopia, periventricular, X-linked dominant (PVNH1). Also called: PERIVENTRICULAR NODULAR HETEROTOPIA 1; PERIVENTRICULAR NODULAR HETEROTOPIA 4; HETEROTOPIA, PERIVENTRICULAR, 1; X-linked periventricular heterotopia. Identifiers: Orphanet 2149, Orphanet 82004, MedGen C1848213, MONDO:0010233, OMIM 300049.

Submission:

Labcorp Genetics (formerly Invitae), Labcorp
Classification: Uncertain significance for Oto-palato-digital syndrome, type II; Heterotopia, periventricular, X-linked dominant; Frontometaphyseal dysplasia; Melnick-Needles syndrome. Last evaluated: 2022-10-06. Review status: criteria provided, single submitter. Criteria: Invitae Variant Classification Sherloc (09022015). Collection method: clinical testing. Allele origin: germline.
Comment: In summary, the available evidence is currently insufficient to determine the role of this variant in disease. Therefore, it has been classified as a Variant of Uncertain Significance. Advanced modeling of protein sequence and biophysical properties (such as structural, functional, and spatial information, amino acid conservation, physicochemical variation, residue mobility, and thermodynamic stability) performed at Invitae indicates that this missense variant is not expected to disrupt FLNA protein function. This variant has not been reported in the literature in individuals affected with FLNA-related conditions. This variant is not present in population databases (gnomAD no frequency). This sequence change replaces alanine, which is neutral and non-polar, with valine, which is neutral and non-polar, at codon 65 of the FLNA protein (p.Ala65Val).